The following is an entry in ClinVar:

NM_002335.4(LRP5):c.3307C>A (p.Arg1103Ser)

Gene: LRP5 (LDL receptor related protein 5; plus strand). Cytogenetic location: 11q13.2.
Variant type: single nucleotide variant.
Coding change: c.3307C>A on transcript NM_002335.4 (MANE Select); coding-DNA position 3307, C replaced by A.
Protein change: p.Arg1103Ser; replaces arginine 1103 with serine.
Molecular consequence: missense variant.
Genome position (GRCh38, 1-based): chr11:68,425,172, C>A. VCF-style: chr11-68425172-C-A. GRCh37 (hg19) VCF-style: chr11-68192640-C-A.
Other names: c.1564C>A, p.Arg522Ser (NM_001291902.2); short protein forms R522S, R1103S.
Identifiers: ClinVar variation 855998 (VCV000855998.9), dbSNP rs768840999, ClinGen allele CA381621415.

ClinVar aggregate classification (germline): Uncertain significance (1 of 4 stars; one submission).

Submission:

Labcorp Genetics (formerly Invitae), Labcorp
Classification: Uncertain significance. Last evaluated: 2019-12-07. Review status: criteria provided, single submitter. Criteria: Invitae Variant Classification Sherloc (09022015). Collection method: clinical testing. Allele origin: germline.
Comment: Algorithms developed to predict the effect of missense changes on protein structure and function (SIFT, PolyPhen-2, Align-GVGD) all suggest that this variant is likely to be disruptive, but these predictions have not been confirmed by published functional studies and their clinical significance is uncertain. In summary, the available evidence is currently insufficient to determine the role of this variant in disease. Therefore, it has been classified as a Variant of Uncertain Significance. This variant has not been reported in the literature in individuals with LRP5-related conditions. This variant is not present in population databases (ExAC no frequency). This sequence change replaces arginine with serine at codon 1103 of the LRP5 protein (p.Arg1103Ser). The arginine residue is highly conserved and there is a moderate physicochemical difference between arginine and serine.